The following is an entry in ClinVar:

ClinVar aggregate classification (germline): Uncertain significance. Review status: criteria provided, multiple submitters, no conflicts (2 of 4 stars). 2 submissions from 2 submitters: Uncertain significance (2). Last evaluated 2023-12-15.

Allele frequency attached by ClinVar (database versions not stated): ExAC 0.00001; gnomAD exomes 0.00001; gnomAD 0.00003; TOPMed 0.00004.

Submissions (2):

Ambry Genetics
Classification: Uncertain significance. Last evaluated: 2023-12-15. Review status: criteria provided, single submitter. Criteria: Ambry Variant Classification Scheme 2023. Collection method: clinical testing. Allele origin: germline.

Labcorp Genetics (formerly Invitae), Labcorp
Classification: Uncertain significance. Last evaluated: 2023-06-18. Review status: criteria provided, single submitter. Criteria: Invitae Variant Classification Sherloc (09022015). Collection method: clinical testing. Allele origin: germline.
Comment: In summary, the available evidence is currently insufficient to determine the role of this variant in disease. Therefore, it has been classified as a Variant of Uncertain Significance. Advanced modeling of protein sequence and biophysical properties (such as structural, functional, and spatial information, amino acid conservation, physicochemical variation, residue mobility, and thermodynamic stability) performed at Invitae indicates that this missense variant is not expected to disrupt GUF1 protein function. This variant has not been reported in the literature in individuals affected with GUF1-related conditions. This variant is present in population databases (rs775500827, gnomAD 0.02%). This sequence change replaces alanine, which is neutral and non-polar, with threonine, which is neutral and polar, at codon 123 of the GUF1 protein (p.Ala123Thr).

NM_021927.3(GUF1):c.367G>A (p.Ala123Thr)

Gene: GUF1 (GTP binding elongation factor GUF1; plus strand). Cytogenetic location: 4p12.
Variant type: single nucleotide variant.
Coding change: c.367G>A on transcript NM_021927.3 (MANE Select); coding-DNA position 367, G replaced by A.
Protein change: p.Ala123Thr; replaces alanine 123 with threonine.
Molecular consequence: missense variant. On other transcripts: 5 prime UTR variant (2).
Genome position (GRCh38, 1-based): chr4:44,680,783, G>A. VCF-style: chr4-44680783-G-A. GRCh37 (hg19) VCF-style: chr4-44682800-G-A.
Other names: c.-602G>A (NM_001345867.2); c.367G>A, p.Ala123Thr (NM_001345868.2); c.-606G>A (NM_001345869.2); c.367G>A (NM_021927.2); short protein forms A123T.
Identifiers: ClinVar variation 2867333 (VCV002867333.4), dbSNP rs775500827, ClinGen allele CA2905264.